The following is an entry in ClinVar:

ClinVar aggregate classification (germline): Pathogenic/Likely pathogenic. Review status: criteria provided, multiple submitters, no conflicts (2 of 4 stars). 2 submissions from 2 submitters: Pathogenic (1); Likely pathogenic (1). Last evaluated 2025-11-22.

Conditions:
FLNB-related disorder. Also called: FLNB-related condition; FLNB-related disorders. Identifiers: MedGen CN381095.

gnomAD v4.1: 1 of 1,613,924 alleles (0.000062%); highest among the groups gnomAD compares: Non-Finnish European, 0.000085%; no homozygotes.

Submissions (2):

Labcorp Genetics (formerly Invitae), Labcorp
Classification: Pathogenic. Last evaluated: 2025-11-22. Review status: criteria provided, single submitter. Criteria: Invitae Variant Classification Sherloc (09022015). Collection method: clinical testing. Allele origin: germline.
Comment: This sequence change creates a premature translational stop signal (p.Tyr1395*) in the FLNB gene. It is expected to result in an absent or disrupted protein product. Loss-of-function variants in FLNB are known to be pathogenic (PMID: 14991055). This variant is present in population databases (rs373754367, gnomAD 0.002%). This variant has not been reported in the literature in individuals affected with FLNB-related conditions. For these reasons, this variant has been classified as Pathogenic.

Greenwood Genetic Center Diagnostic Laboratories, Greenwood Genetic Center
Classification: Likely pathogenic for FLNB-related disorder. Last evaluated: 2025-05-29. Review status: criteria provided, single submitter. Criteria: ACMG Guidelines, 2015. Collection method: clinical testing. Allele origin: germline. Affected: yes.
Comment: PVS1, PM2

Literature cited by the submitters: PubMed 14991055 (cited by Labcorp Genetics (formerly Invitae), Labcorp).

NM_001457.4(FLNB):c.4185C>A (p.Tyr1395Ter)

Gene: FLNB (filamin B; plus strand). Cytogenetic location: 3p14.3.
Variant type: single nucleotide variant.
Coding change: c.4185C>A on transcript NM_001457.4 (MANE Select); coding-DNA position 4185, C replaced by A.
Protein change: p.Tyr1395Ter; replaces tyrosine 1395 with a stop codon.
Molecular consequence: nonsense.
Genome position (GRCh38, 1-based): chr3:58,126,725, C>A. VCF-style: chr3-58126725-C-A. GRCh37 (hg19) VCF-style: chr3-58112452-C-A.
Other names: c.4185C>A, p.Tyr1395Ter (NM_001164317.2, NM_001164318.2, NM_001164319.2); short protein forms Y1395*.
Identifiers: ClinVar variation 4538268 (VCV004538268.2).